The following is an entry in ClinVar:

ClinVar aggregate classification (germline): Uncertain significance (1 of 4 stars; one submission).

Submission:

Labcorp Genetics (formerly Invitae), Labcorp
Classification: Uncertain significance. Last evaluated: 2022-04-19. Review status: criteria provided, single submitter. Criteria: Invitae Variant Classification Sherloc (09022015). Collection method: clinical testing. Allele origin: germline.
Comment: Algorithms developed to predict the effect of sequence changes on RNA splicing suggest that this variant may disrupt the consensus splice site. In summary, the available evidence is currently insufficient to determine the role of this variant in disease. Therefore, it has been classified as a Variant of Uncertain Significance. This premature translational stop signal has been observed in individual(s) with clinical features of dentinogenesis imperfecta (Invitae). This variant is not present in population databases (gnomAD no frequency). This sequence change creates a premature translational stop signal (p.Val18Phefs*15) in the DSPP gene. It is expected to result in an absent or disrupted protein product. However, the current clinical and genetic evidence is not sufficient to establish whether loss-of-function variants in DSPP cause disease.

NC_000004.12:g.87612105del

Genes: DMP1-AS1 (DMP1 and DSPP antisense RNA 1; minus strand), DSPP (dentin sialophosphoprotein; plus strand). Cytogenetic location: 4q22.1.
Variant type: Deletion.
Genome position: GRCh38 VCF-style: chr4-87612103-AG-A. GRCh37 (hg19) VCF-style: chr4-88533255-AG-A.
Identifiers: ClinVar variation 2128005 (VCV002128005.5), dbSNP rs2475880342, ClinGen allele CA2580071857.